The following is an entry in ClinVar:

NM_182914.3(SYNE2):c.2296A>G (p.Met766Val)

Gene: SYNE2 (spectrin repeat containing nuclear envelope protein 2; plus strand). Cytogenetic location: 14q23.2.
Variant type: single nucleotide variant.
Coding change: c.2296A>G on transcript NM_182914.3 (MANE Select); coding-DNA position 2296, A replaced by G.
Protein change: p.Met766Val; replaces methionine 766 with valine.
Molecular consequence: missense variant.
Genome position (GRCh38, 1-based): chr14:63,986,600, A>G. VCF-style: chr14-63986600-A-G. GRCh37 (hg19) VCF-style: chr14-64453318-A-G.
Other names: c.2296A>G, p.Met766Val (NM_015180.6); short protein forms M766V.
Identifiers: ClinVar variation 1256350 (VCV001256350.8), dbSNP rs556342048, ClinGen allele CA7219650.
Genomic context (GRCh38, chr14:63,986,600, plus strand): 5'-GTGGAAATCTGGGAGGCAGAAGCCAAATCTGTTTTGGATCAAGATGATGTGGACACCTCA[A>G]TGGAAGAATCTTTGAAGGTATGTGTGTAAAAGTATTAAGAGGGTACTTTCATGGTTGTGC-3'
Protein context (NP_878918.2, residues 756-776): VLDQDDVDTS[Met766Val]EESLKHLIAK

ClinVar aggregate classification (germline): Conflicting classifications of pathogenicity. Review status: criteria provided, conflicting classifications (1 of 4 stars). 4 submissions from 4 submitters: Uncertain significance (3); Likely benign (1). Last evaluated 2024-08-21.

Conditions:
Emery-Dreifuss muscular dystrophy 5, autosomal dominant (EDMD5). Also called: EMERY-DREIFUSS MUSCULAR DYSTROPHY 5. Identifiers: Orphanet 261, MedGen C2751805, MONDO:0013072, OMIM 612999.

Allele frequency attached by ClinVar (database versions not stated): ExAC 0.00001; gnomAD exomes 0.00001 and 0.00002; TOPMed 0.00003; gnomAD 0.00004; 1000 Genomes Project 30x 0.00016; 1000 Genomes Project 0.00020.
gnomAD v4.1: 27 of 1,614,172 alleles (0.0017%); highest among the groups gnomAD compares: African/African-American, 0.015%; no homozygotes.

Submissions (4):

Ambry Genetics
Classification: Likely benign. Last evaluated: 2024-08-21. Review status: criteria provided, single submitter. Criteria: Ambry Variant Classification Scheme 2023. Collection method: clinical testing. Allele origin: germline.

Labcorp Genetics (formerly Invitae), Labcorp
Classification: Uncertain significance for Emery-Dreifuss muscular dystrophy 5, autosomal dominant. Last evaluated: 2024-01-05. Review status: criteria provided, single submitter. Criteria: Invitae Variant Classification Sherloc (09022015). Collection method: clinical testing. Allele origin: germline.
Comment: This sequence change replaces methionine, which is neutral and non-polar, with valine, which is neutral and non-polar, at codon 766 of the SYNE2 protein (p.Met766Val). This variant is present in population databases (rs556342048, gnomAD 0.01%). This variant has not been reported in the literature in individuals affected with SYNE2-related conditions. ClinVar contains an entry for this variant (Variation ID: 1256350). Algorithms developed to predict the effect of missense changes on protein structure and function output the following: SIFT: "Not Available"; PolyPhen-2: "Benign"; Align-GVGD: "Not Available". The valine amino acid residue is found in multiple mammalian species, which suggests that this missense change does not adversely affect protein function. In summary, the available evidence is currently insufficient to determine the role of this variant in disease. Therefore, it has been classified as a Variant of Uncertain Significance.

Revvity Omics, Revvity
Classification: Uncertain significance for Emery-Dreifuss muscular dystrophy 5, autosomal dominant. Last evaluated: 2022-03-31. Review status: criteria provided, single submitter. Criteria: ACMG Guidelines, 2015. Collection method: clinical testing. Allele origin: germline.

Athena Diagnostics
Classification: Uncertain significance. Last evaluated: 2020-12-22. Review status: criteria provided, single submitter. Criteria: Athena Diagnostics criteria. Collection method: clinical testing. Allele origin: unknown.